The following is an entry in ClinVar:

NM_004595.5(SMS):c.561A>T (p.Glu187Asp)

Gene: SMS (spermine synthase; plus strand). Cytogenetic location: Xp22.11.
Variant type: single nucleotide variant.
Coding change: c.561A>T on transcript NM_004595.5 (MANE Select); coding-DNA position 561, A replaced by T.
Protein change: p.Glu187Asp; replaces glutamic acid 187 with aspartic acid.
Molecular consequence: missense variant.
Genome position (GRCh38, 1-based): chrX:21,978,015, A>T. VCF-style: chrX-21978015-A-T. GRCh37 (hg19) VCF-style: chrX-21996133-A-T.
Other names: c.402A>T, p.Glu134Asp (NM_001258423.2); short protein forms E187D, E134D.
Identifiers: ClinVar variation 4087903 (VCV004087903.1).

ClinVar aggregate classification (germline): Uncertain significance (1 of 4 stars; one submission).

Submission:

GeneDx
Classification: Uncertain significance. Last evaluated: 2025-03-26. Review status: criteria provided, single submitter. Criteria: GeneDx Variant Classification Process June 2021. Collection method: clinical testing. Allele origin: germline. Affected: yes.
Comment: Not observed at significant frequency in large population cohorts (gnomAD); In silico analysis indicates that this missense variant does not alter protein structure/function; Has not been previously published as pathogenic or benign to our knowledge